The following is an entry in ClinVar:

ClinVar aggregate classification (germline): Pathogenic (1 of 4 stars; one submission).

Submission:

Quest Diagnostics Nichols Institute San Juan Capistrano
Classification: Pathogenic. Last evaluated: 2025-02-11. Review status: criteria provided, single submitter. Criteria: Quest Diagnostics criteria. Collection method: clinical testing. Allele origin: unknown.
Comment: The CFTR c.3979del (p.Val1327*) variant alters the translational reading frame of the CFTR mRNA and causes the premature termination of CFTR protein synthesis. This variant has been reported in the published literature in an individual with CF (cystic fibrosis) (PMID: 24586523 (2014)). This variant has not been reported in large, multi-ethnic general populations (Genome Aggregation Database). Based on the available information, this variant is classified as pathogenic.

Literature cited by the submitters: PubMed 24586523.

NM_000492.4(CFTR):c.3979del (p.Ser1326_Val1327insTer)

Gene: CFTR (CF transmembrane conductance regulator; plus strand). Cytogenetic location: 7q31.2.
Variant type: Deletion.
Coding change: c.3979del on transcript NM_000492.4 (MANE Select); coding-DNA position 3979, one base deleted (G; older notation c.3979delG).
Protein change: p.Ser1326_Val1327insTer.
Molecular consequence: nonsense. On other transcripts: frameshift variant (1).
Genome position (GRCh38, 1-based): chr7:117,664,703, G deleted. VCF-style (leftmost placement, unchanged base first): chr7-117664702-TG-T. GRCh37 (hg19) VCF-style: chr7-117304756-TG-T.
Other names: c.3979delG, p.Val1327Terfs (NM_000492.3).
Identifiers: ClinVar variation 4532960 (VCV004532960.1).